The following is an entry in ClinVar:

NM_004369.4(COL6A3):c.8568-9T>C

Gene: COL6A3 (collagen type VI alpha 3 chain; minus strand). Cytogenetic location: 2q37.3.
Variant type: single nucleotide variant.
Coding change: c.8568-9T>C on transcript NM_004369.4 (MANE Select); 9 bases into the intron before coding-DNA position 8568, T replaced by C.
Molecular consequence: intron variant.
Genome position (GRCh38, 1-based): chr2:237,336,541, A>G on the plus strand (T>C on the coding strand, the complement: COL6A3 is on the minus strand). VCF-style: chr2-237336541-A-G. GRCh37 (hg19) VCF-style: chr2-238245184-A-G.
Other names: c.6747-9T>C (NM_057166.5); c.7950-9T>C (NM_057167.4).
Identifiers: ClinVar variation 681431 (VCV000681431.10), dbSNP rs1369507012, ClinGen allele CA766623632.

ClinVar aggregate classification (germline): Likely benign. Review status: criteria provided, multiple submitters, no conflicts (2 of 4 stars). 2 submissions from 2 submitters: Likely benign (2). Last evaluated 2025-12-15.

Conditions:
Bethlem myopathy 1A. Also called: Bethlem Muscular Dystrophy; Bethlem myopathy 1; MYOPATHY, BENIGN CONGENITAL, WITH CONTRACTURES. Identifiers: Orphanet 610, MedGen CN029274, MONDO:0024530, OMIM 158810.

Allele frequency attached by ClinVar (database versions not stated): gnomAD exomes below 0.00001; gnomAD 0.00001; TOPMed 0.00002.
gnomAD v4.1: 5 of 1,613,744 alleles (0.00031%); highest among the groups gnomAD compares: African/African-American, 0.004%; no homozygotes.

Submissions (2):

Labcorp Genetics (formerly Invitae), Labcorp
Classification: Likely benign for Bethlem myopathy 1A. Last evaluated: 2025-12-15. Review status: criteria provided, single submitter. Criteria: Invitae Variant Classification Sherloc (09022015). Collection method: clinical testing. Allele origin: germline.

GeneDx
Classification: Likely benign. Last evaluated: 2018-04-05. Review status: criteria provided, single submitter. Criteria: GeneDx Variant Classification (06012015). Collection method: clinical testing. Allele origin: germline. Affected: yes.
Comment: This variant is considered likely benign or benign based on one or more of the following criteria: it is a conservative change, it occurs at a poorly conserved position in the protein, it is predicted to be benign by multiple in silico algorithms, and/or has population frequency not consistent with disease.